The following is an entry in ClinVar:

NM_139318.5(KCNH5):c.1473C>G (p.Phe491Leu)

Gene: KCNH5 (potassium voltage-gated channel subfamily H member 5; minus strand). Cytogenetic location: 14q23.2.
Variant type: single nucleotide variant.
Coding change: c.1473C>G on transcript NM_139318.5 (MANE Select); coding-DNA position 1473, C replaced by G.
Protein change: p.Phe491Leu; replaces phenylalanine 491 with leucine.
Molecular consequence: missense variant.
Genome position (GRCh38, 1-based): chr14:62,849,749, G>C on the plus strand (C>G on the coding strand, the complement: KCNH5 is on the minus strand). VCF-style: chr14-62849749-G-C. GRCh37 (hg19) VCF-style: chr14-63316467-G-C.
Other names: c.1473C>G, p.Phe491Leu (NM_172375.3); short protein forms F491L.
Identifiers: ClinVar variation 2124390 (VCV002124390.4), dbSNP rs1349540136, ClinGen allele CA390102410.

ClinVar aggregate classification (germline): Uncertain significance (1 of 4 stars; one submission).

Conditions:
Early-infantile DEE. Also called: Early infantile epileptic encephalopathy; Ohtahara syndrome; Early infantile epileptic encephalopathy with suppression bursts. Identifiers: Orphanet 1934, MedGen C0393706, MONDO:0800491.

gnomAD v4.1: 1 of 1,613,790 alleles (0.000062%); no homozygotes.

Submission:

Labcorp Genetics (formerly Invitae), Labcorp
Classification: Uncertain significance for Early-infantile DEE. Last evaluated: 2024-10-22. Review status: criteria provided, single submitter. Criteria: Invitae Variant Classification Sherloc (09022015). Collection method: clinical testing. Allele origin: germline.
Comment: This sequence change replaces phenylalanine, which is neutral and non-polar, with leucine, which is neutral and non-polar, at codon 491 of the KCNH5 protein (p.Phe491Leu). This variant is present in population databases (no rsID available, gnomAD 0.004%). This variant has not been reported in the literature in individuals affected with KCNH5-related conditions. ClinVar contains an entry for this variant (Variation ID: 2124390). Invitae Evidence Modeling of protein sequence and biophysical properties (such as structural, functional, and spatial information, amino acid conservation, physicochemical variation, residue mobility, and thermodynamic stability) indicates that this missense variant is expected to disrupt KCNH5 protein function with a positive predictive value of 95%. In summary, the available evidence is currently insufficient to determine the role of this variant in disease. Therefore, it has been classified as a Variant of Uncertain Significance.